The following is an entry in ClinVar:

ClinVar aggregate classification (germline): Likely pathogenic. Review status: criteria provided, single submitter (1 of 4 stars). 2 submissions from 2 submitters: Likely pathogenic (1). 1 of the submissions does not count toward it. Last evaluated 2026-06-01.

Conditions:
Early T cell progenitor acute lymphoblastic leukemia. Also called: Early T Acute Lymphoblastic Leukemia. Identifiers: MedGen C4329780, MONDO:0100291.

Allele frequency attached by ClinVar (database versions not stated): gnomAD exomes below 0.00001; gnomAD 0.00001; TOPMed 0.00001.
gnomAD v4.1: 6 of 1,613,652 alleles (0.00037%); highest among the groups gnomAD compares: African/African-American, 0.0013%; no homozygotes.

Submissions (2):

CeGaT Center for Human Genetics Tuebingen
Classification: Likely pathogenic. Last evaluated: 2026-06-01. Review status: criteria provided, single submitter. Criteria: CeGaT Center For Human Genetics Tuebingen Variant Classification Criteria Version 2. Collection method: clinical testing. Allele origin: germline. Affected: yes. Observed: 1 variant allele.
Comment: DNMT3A: PVS1, PM2:Supporting

Center for Advanced Molecular Diagnostics, Cytogenetics Laboratory, Brigham and Women's Hospital
Classification: Pathogenic for Early T cell progenitor acute lymphoblastic leukemia. Review status: no assertion criteria provided. Collection method: clinical testing. Allele origin: somatic. Affected: yes. Observed: 1 variant allele. Study: ETP-ALL responsive to Notch pathway inhibitor. Not counted in ClinVar's aggregate classification.
Comment: Loss of function DNMT3A mutation found in myeloid leukemias and ETP-ALL

NM_022552.5(DNMT3A):c.1204C>T (p.Gln402Ter)

Gene: DNMT3A (DNA methyltransferase 3 alpha; minus strand). Cytogenetic location: 2p23.3.
Variant type: single nucleotide variant.
Coding change: c.1204C>T on transcript NM_022552.5 (MANE Select); coding-DNA position 1204, C replaced by T.
Protein change: p.Gln402Ter; replaces glutamine 402 with a stop codon.
Molecular consequence: nonsense. On other transcripts: non-coding transcript variant (1).
Genome position (GRCh38, 1-based): chr2:25,246,695, G>A on the plus strand (C>T on the coding strand, the complement: DNMT3A is on the minus strand). VCF-style: chr2-25246695-G-A. GRCh37 (hg19) VCF-style: chr2-25469564-G-A.
Other names: c.1204C>T, p.Gln402Ter (NM_175629.2); c.748C>T, p.Gln250Ter (NM_001320893.1); c.535C>T, p.Gln179Ter (NM_001375819.1); c.637C>T, p.Gln213Ter (NM_153759.3); short protein forms Q213*, Q402*, Q250*, Q179*.
Identifiers: ClinVar variation 208338 (VCV000208338.4), dbSNP rs796065342, ClinGen allele CA204411.